The following is an entry in ClinVar:

NM_000352.6(ABCC8):c.332G>A (p.Gly111Glu)

Gene: ABCC8 (ATP binding cassette subfamily C member 8; minus strand). Cytogenetic location: 11p15.1.
Variant type: single nucleotide variant.
Coding change: c.332G>A on transcript NM_000352.6 (MANE Select); coding-DNA position 332, G replaced by A.
Protein change: p.Gly111Glu; replaces glycine 111 with glutamic acid.
Molecular consequence: missense variant. On other transcripts: non-coding transcript variant (1).
Genome position (GRCh38, 1-based): chr11:17,470,181, C>T on the plus strand (G>A on the coding strand, the complement: ABCC8 is on the minus strand). VCF-style: chr11-17470181-C-T. GRCh37 (hg19) VCF-style: chr11-17491728-C-T.
Other names: c.332G>A, p.Gly111Glu (NM_001287174.3, NM_001351295.2, NM_001351296.2 and 1 more transcripts); short protein forms G111E.
Identifiers: ClinVar variation 1500046 (VCV001500046.8), dbSNP rs2133711374, ClinGen allele CA379784382.
Genomic context (GRCh38, chr11:17,470,181, plus strand): 5'-TTGGAAGTCTCGATGTTGTGATAGTAGACCACGGAGGTGACAGCAGCCATGAACGCCATC[C>T]CGGCTGGCATGTACAGGTGCAGATGGTGGGATTCGGTCACCCTGAGATGGGAGAGAGAAA-3'
Protein context (NP_000343.2, residues 101-121): SHHLHLYMPA[Gly111Glu]MAFMAAVTSV

ClinVar aggregate classification (germline): Likely pathogenic (1 of 4 stars; one submission).

Submission:

Labcorp Genetics (formerly Invitae), Labcorp
Classification: Likely pathogenic. Last evaluated: 2022-05-27. Review status: criteria provided, single submitter. Criteria: Invitae Variant Classification Sherloc (09022015). Collection method: clinical testing. Allele origin: germline.
Comment: In summary, the currently available evidence indicates that the variant is pathogenic, but additional data are needed to prove that conclusively. Therefore, this variant has been classified as Likely Pathogenic. This variant disrupts the p.Gly111 amino acid residue in ABCC8. Other variant(s) that disrupt this residue have been determined to be pathogenic (PMID: 20943781, 21992908, 23345197, 23652837, 25117148, 25201519, 30352420). This suggests that this residue is clinically significant, and that variants that disrupt this residue are likely to be disease-causing. Advanced modeling of protein sequence and biophysical properties (such as structural, functional, and spatial information, amino acid conservation, physicochemical variation, residue mobility, and thermodynamic stability) performed at Invitae indicates that this missense variant is expected to disrupt ABCC8 protein function. This variant has not been reported in the literature in individuals affected with ABCC8-related conditions. This variant is not present in population databases (gnomAD no frequency). This sequence change replaces glycine, which is neutral and non-polar, with glutamic acid, which is acidic and polar, at codon 111 of the ABCC8 protein (p.Gly111Glu).

Literature cited by the submitters: PubMed 20943781; PubMed 21992908; PubMed 23345197; PubMed 23652837; PubMed 25117148; PubMed 25201519; PubMed 30352420.